The following is an entry in ClinVar:

ClinVar aggregate classification (germline): Benign (0 of 4 stars; one submission).

Conditions:
AMTN-related disorder. Also called: AMTN-related condition.

Allele frequency attached by ClinVar (database versions not stated): ESP Exome Variant Server 0.10280; gnomAD 0.10353; TOPMed 0.10373; 1000 Genomes Project 30x 0.11040; 1000 Genomes Project 0.11402; ExAC 0.12706; gnomAD exomes 0.13088.
gnomAD v4.1: 206,115 of 1,604,560 alleles (13%); highest among the groups gnomAD compares: Middle Eastern, 21%; 14,534 homozygotes.

Submission:

PreventionGenetics, part of Exact Sciences
Classification: Benign for AMTN-related condition. Last evaluated: 2019-03-21. Review status: no assertion criteria provided. Collection method: clinical testing. Allele origin: germline.
Comment: This variant is classified as benign based on ACMG/AMP sequence variant interpretation guidelines (Richards et al. 2015 PMID: 25741868, with internal and published modifications).

NM_212557.4(AMTN):c.43C>T (p.Arg15Trp)

Gene: AMTN (amelotin; plus strand). Cytogenetic location: 4q13.3.
Variant type: single nucleotide variant.
Coding change: c.43C>T on transcript NM_212557.4 (MANE Select); coding-DNA position 43, C replaced by T.
Protein change: p.Arg15Trp; replaces arginine 15 with tryptophan.
Molecular consequence: missense variant.
Genome position (GRCh38, 1-based): chr4:70,518,820, C>T. VCF-style: chr4-70518820-C-T. GRCh37 (hg19) VCF-style: chr4-71384537-C-T.
Other names: c.43C>T, p.Arg15Trp (NM_001286731.2); short protein forms R15W.
Identifiers: ClinVar variation 3058967 (VCV003058967.2), dbSNP rs35286445, ClinGen allele CA2950904.
Genomic context (GRCh38, chr4:70,518,820, plus strand): 5'-TAGGTAGCAATCTGAAACATGAGGAGTACGATTCTACTGTTTTGTCTTCTAGGATCAACT[C>T]GGTCATTACCAGTAAGTATGTTATGTTTGTTTTATATGCCAGCCAGTTTCAACAGCATCT-3'
Protein context (NP_997722.1, residues 5-25): ILLFCLLGST[Arg15Trp]SLPQLKPALG